The following is an entry in ClinVar:

NM_001478.5(B4GALNT1):c.589A>G (p.Thr197Ala)

Gene: B4GALNT1 (beta-1,4-N-acetyl-galactosaminyltransferase 1; minus strand). Cytogenetic location: 12q13.3.
Variant type: single nucleotide variant.
Coding change: c.589A>G on transcript NM_001478.5 (MANE Select); coding-DNA position 589, A replaced by G.
Protein change: p.Thr197Ala; replaces threonine 197 with alanine.
Molecular consequence: missense variant. On other transcripts: 5 prime UTR variant (4).
Genome position (GRCh38, 1-based): chr12:57,630,275, T>C on the plus strand (A>G on the coding strand, the complement: B4GALNT1 is on the minus strand). VCF-style: chr12-57630275-T-C. GRCh37 (hg19) VCF-style: chr12-58024058-T-C.
Other names: c.424A>G, p.Thr142Ala (NM_001276468.2, NM_001413978.1); c.589A>G, p.Thr197Ala (NM_001276469.2, NM_001413967.1, NM_001413968.1 and 9 more transcripts); c.-399A>G (NM_001413981.1, NM_001413982.1, NM_001413983.1 and 1 more transcripts); short protein forms T142A, T197A.
Identifiers: ClinVar variation 2826771 (VCV002826771.3), dbSNP rs772687846, ClinGen allele CA6655719.

ClinVar aggregate classification (germline): Uncertain significance (1 of 4 stars; one submission).

Conditions:
Spastic paraplegia. Identifiers: MedGen C0037772, HP:0001258.

Allele frequency attached by ClinVar (database versions not stated): gnomAD exomes below 0.00001; TOPMed below 0.00001; ExAC 0.00002.
gnomAD v4.1: 7 of 1,614,108 alleles (0.00043%); highest among the groups gnomAD compares: Non-Finnish European, 0.00051%; no homozygotes.

Submission:

Labcorp Genetics (formerly Invitae), Labcorp
Classification: Uncertain significance for Spastic paraplegia. Last evaluated: 2024-12-16. Review status: criteria provided, single submitter. Criteria: Invitae Variant Classification Sherloc (09022015). Collection method: clinical testing. Allele origin: germline.
Comment: This sequence change replaces threonine, which is neutral and polar, with alanine, which is neutral and non-polar, at codon 197 of the B4GALNT1 protein (p.Thr197Ala). This variant is present in population databases (rs772687846, gnomAD 0.01%). This variant has not been reported in the literature in individuals affected with B4GALNT1-related conditions. ClinVar contains an entry for this variant (Variation ID: 2826771). Invitae Evidence Modeling of protein sequence and biophysical properties (such as structural, functional, and spatial information, amino acid conservation, physicochemical variation, residue mobility, and thermodynamic stability) indicates that this missense variant is not expected to disrupt B4GALNT1 protein function with a negative predictive value of 80%. In summary, the available evidence is currently insufficient to determine the role of this variant in disease. Therefore, it has been classified as a Variant of Uncertain Significance.